The following is an entry in ClinVar:

NM_020822.3(KCNT1):c.3425G>C (p.Arg1142Pro)

Gene: KCNT1 (potassium sodium-activated channel subfamily T member 1; plus strand). Cytogenetic location: 9q34.3.
Variant type: single nucleotide variant.
Coding change: c.3425G>C on transcript NM_020822.3 (MANE Select); coding-DNA position 3425, G replaced by C.
Protein change: p.Arg1142Pro; replaces arginine 1142 with proline.
Molecular consequence: missense variant.
Genome position (GRCh38, 1-based): chr9:135,786,444, G>C. VCF-style: chr9-135786444-G-C. GRCh37 (hg19) VCF-style: chr9-138678290-G-C.
Other names: c.3290G>C, p.Arg1097Pro (NM_001272003.2); short protein forms R1097P, R1142P.
Identifiers: ClinVar variation 2659721 (VCV002659721.26), dbSNP rs773520283, ClinGen allele CA375492143.

ClinVar aggregate classification (germline): Uncertain significance. Review status: criteria provided, multiple submitters, no conflicts (2 of 4 stars). 2 submissions from 2 submitters: Uncertain significance (2). Last evaluated 2024-06-22.

Conditions:
Autosomal dominant nocturnal frontal lobe epilepsy 5. Also called: Epilepsy, nocturnal frontal lobe, 5; CILIARY DYSKINESIA, PRIMARY, 28, WITHOUT SITUS INVERSUS; CILIARY DYSKINESIA, PRIMARY, 28, WITH SITUS INVERSUS; KCNT1-Related Epilepsy. Identifiers: Orphanet 98784, MedGen C3554306, MONDO:0014002, OMIM 615005.
Developmental and epileptic encephalopathy, 14 (DEE14). Also called: Early infantile epileptic encephalopathy 14. Identifiers: Orphanet 293181, MedGen C3554195, MONDO:0013989, OMIM 614959.

gnomAD v4.1: 1 of 1,597,554 alleles (0.000063%); highest among the groups gnomAD compares: Non-Finnish European, 0.000085%; no homozygotes.

Submissions (2):

Labcorp Genetics (formerly Invitae), Labcorp
Classification: Uncertain significance for Autosomal dominant nocturnal frontal lobe epilepsy 5; Developmental and epileptic encephalopathy, 14. Last evaluated: 2024-06-22. Review status: criteria provided, single submitter. Criteria: Invitae Variant Classification Sherloc (09022015). Collection method: clinical testing. Allele origin: germline.
Comment: This sequence change replaces arginine, which is basic and polar, with proline, which is neutral and non-polar, at codon 1142 of the KCNT1 protein (p.Arg1142Pro). This variant is not present in population databases (gnomAD no frequency). This variant has not been reported in the literature in individuals affected with KCNT1-related conditions. ClinVar contains an entry for this variant (Variation ID: 2659721). Advanced modeling of protein sequence and biophysical properties (such as structural, functional, and spatial information, amino acid conservation, physicochemical variation, residue mobility, and thermodynamic stability) performed at Invitae indicates that this missense variant is not expected to disrupt KCNT1 protein function with a negative predictive value of 80%. In summary, the available evidence is currently insufficient to determine the role of this variant in disease. Therefore, it has been classified as a Variant of Uncertain Significance.

CeGaT Center for Human Genetics Tuebingen
Classification: Uncertain significance. Last evaluated: 2023-06-01. Review status: criteria provided, single submitter. Criteria: CeGaT Center For Human Genetics Tuebingen Variant Classification Criteria Version 2. Collection method: clinical testing. Allele origin: germline. Affected: yes. Observed: 1 variant allele.
Comment: KCNT1: PM2, BP4